The following is an entry in ClinVar:

NM_022041.4(GAN):c.356C>G (p.Thr119Ser)

Gene: GAN (gigaxonin; plus strand). Cytogenetic location: 16q23.2.
Variant type: single nucleotide variant.
Coding change: c.356C>G on transcript NM_022041.4 (MANE Select); coding-DNA position 356, C replaced by G.
Protein change: p.Thr119Ser; replaces threonine 119 with serine.
Molecular consequence: missense variant. On other transcripts: 5 prime UTR variant (1).
Genome position (GRCh38, 1-based): chr16:81,354,478, C>G. VCF-style: chr16-81354478-C-G. GRCh37 (hg19) VCF-style: chr16-81388083-C-G.
Other names: c.-284C>G (NM_001377486.1); short protein forms T119S.
Identifiers: ClinVar variation 1437473 (VCV001437473.8), dbSNP rs750608407, ClinGen allele CA396867688.

ClinVar aggregate classification (germline): Uncertain significance (1 of 4 stars; one submission).

Conditions:
Giant axonal neuropathy 1 (GAN1). Also called: GIANT AXONAL NEUROPATHY 1, AUTOSOMAL RECESSIVE; GAN-Related Neurodegeneration. Identifiers: Orphanet 643, MedGen C1850386, MONDO:0009749, OMIM 256850.

gnomAD v4.1: 18 of 1,613,964 alleles (0.0011%); highest among the groups gnomAD compares: Admixed American, 0.03%; no homozygotes.

Submission:

Labcorp Genetics (formerly Invitae), Labcorp
Classification: Uncertain significance for Giant axonal neuropathy 1. Last evaluated: 2021-01-21. Review status: criteria provided, single submitter. Criteria: Invitae Variant Classification Sherloc (09022015). Collection method: clinical testing. Allele origin: germline.
Comment: This sequence change replaces threonine with serine at codon 119 of the GAN protein (p.Thr119Ser). The threonine residue is moderately conserved and there is a small physicochemical difference between threonine and serine. In summary, the available evidence is currently insufficient to determine the role of this variant in disease. Therefore, it has been classified as a Variant of Uncertain Significance. Algorithms developed to predict the effect of missense changes on protein structure and function (SIFT, PolyPhen-2, Align-GVGD) all suggest that this variant is likely to be tolerated, but these predictions have not been confirmed by published functional studies and their clinical significance is uncertain. This variant has not been reported in the literature in individuals with GAN-related conditions. This variant is not present in population databases (ExAC no frequency).